The following is an entry in ClinVar:

NM_203290.4(POLR1C):c.1001G>A (p.Arg334Gln)

Gene: POLR1C (RNA polymerase I and III subunit C; plus strand). Cytogenetic location: 6p21.1.
Variant type: single nucleotide variant.
Coding change: c.1001G>A on transcript NM_203290.4 (MANE Select); coding-DNA position 1001, G replaced by A.
Protein change: p.Arg334Gln; replaces arginine 334 with glutamine.
Molecular consequence: missense variant. On other transcripts: intron variant (2).
Genome position (GRCh38, 1-based): chr6:43,521,260, G>A. VCF-style: chr6-43521260-G-A. GRCh37 (hg19) VCF-style: chr6-43488998-G-A.
Other names: c.922+212G>A (NM_001318876.2, NM_001363658.2); short protein forms R334Q.
Identifiers: ClinVar variation 2186553 (VCV002186553.2), dbSNP rs752657369, ClinGen allele CA3825661.

ClinVar aggregate classification (germline): Uncertain significance (1 of 4 stars; one submission).

Allele frequency attached by ClinVar (database versions not stated): ExAC 0.00002; gnomAD exomes 0.00002; TOPMed 0.00002; gnomAD 0.00003.
gnomAD v4.1: 39 of 1,612,748 alleles (0.0024%); highest among the groups gnomAD compares: Middle Eastern, 0.02%; no homozygotes.

Submission:

Labcorp Genetics (formerly Invitae), Labcorp
Classification: Uncertain significance. Last evaluated: 2024-12-16. Review status: criteria provided, single submitter. Criteria: Invitae Variant Classification Sherloc (09022015). Collection method: clinical testing. Allele origin: germline.
Comment: This sequence change replaces arginine, which is basic and polar, with glutamine, which is neutral and polar, at codon 334 of the POLR1C protein (p.Arg334Gln). This variant is present in population databases (rs752657369, gnomAD 0.03%). This variant has not been reported in the literature in individuals affected with POLR1C-related conditions. ClinVar contains an entry for this variant (Variation ID: 2186553). Invitae Evidence Modeling of protein sequence and biophysical properties (such as structural, functional, and spatial information, amino acid conservation, physicochemical variation, residue mobility, and thermodynamic stability) indicates that this missense variant is not expected to disrupt POLR1C protein function with a negative predictive value of 80%. In summary, the available evidence is currently insufficient to determine the role of this variant in disease. Therefore, it has been classified as a Variant of Uncertain Significance.